The following is an entry in ClinVar:

ClinVar aggregate classification (germline): Uncertain significance (1 of 4 stars; one submission).

Conditions:
Charcot-Marie-Tooth Neuropathy X. Identifiers: MedGen CN118851.
Combined oxidative phosphorylation deficiency. Identifiers: MedGen C4540031, MONDO:0000732.

Submission:

Labcorp Genetics (formerly Invitae), Labcorp
Classification: Uncertain significance for Charcot-Marie-Tooth Neuropathy X; Combined oxidative phosphorylation deficiency. Last evaluated: 2025-01-13. Review status: criteria provided, single submitter. Criteria: Invitae Variant Classification Sherloc (09022015). Collection method: clinical testing. Allele origin: germline.
Comment: This sequence change replaces valine, which is neutral and non-polar, with methionine, which is neutral and non-polar, at codon 68 of the AIFM1 protein (p.Val68Met). This variant is not present in population databases (gnomAD no frequency). This variant has not been reported in the literature in individuals affected with AIFM1-related conditions. ClinVar contains an entry for this variant (Variation ID: 1436910). Invitae Evidence Modeling of protein sequence and biophysical properties (such as structural, functional, and spatial information, amino acid conservation, physicochemical variation, residue mobility, and thermodynamic stability) indicates that this missense variant is not expected to disrupt AIFM1 protein function with a negative predictive value of 80%. In summary, the available evidence is currently insufficient to determine the role of this variant in disease. Therefore, it has been classified as a Variant of Uncertain Significance.

NM_004208.4(AIFM1):c.202G>A (p.Val68Met)

Genes: AIFM1 (apoptosis inducing factor mitochondria associated 1; minus strand), RAB33A (RAB33A, member RAS oncogene family; plus strand). Cytogenetic location: Xq26.1.
Variant type: single nucleotide variant.
Coding change: c.202G>A on transcript NM_004208.4 (MANE Select); coding-DNA position 202, G replaced by A.
Protein change: p.Val68Met; replaces valine 68 with methionine.
Molecular consequence: missense variant. On other transcripts: intron variant (1).
Genome position (GRCh38, 1-based): chrX:130,156,508, C>T on the plus strand (G>A on the coding strand, the complement: AIFM1 is on the minus strand). VCF-style: chrX-130156508-C-T. GRCh37 (hg19) VCF-style: chrX-129290482-C-T.
Other names: c.202G>A, p.Val68Met (NM_001130847.4); c.107-1222G>A (NM_145812.3); short protein forms V68M.
Identifiers: ClinVar variation 1436910 (VCV001436910.8), dbSNP rs2124673763, ClinGen allele CA414593778.